The following is an entry in ClinVar:

ClinVar aggregate classification (germline): Uncertain significance (1 of 4 stars; one submission).

Conditions:
POLG-related disorder. Also called: POLG-Related Spectrum Disorders; POLG-related condition; POLG-Related Disorders. Identifiers: MedGen C4763519.

Submission:

PreventionGenetics, part of Exact Sciences
Classification: Uncertain significance for POLG-related condition. Last evaluated: 2026-05-17. Review status: criteria provided, single submitter. Criteria: ACMG Guidelines, 2015. Collection method: clinical testing. Allele origin: germline.
Comment: The POLG c.1288A>T variant is predicted to result in the amino acid substitution p.Met430Leu. This variant was reported the compound heterozygous state in an individual with external ophthalmoplegia and levodopa-responsive pseudo-orthostatic tremor and parkinsonism (Invernizzi et al. 2008. PubMed ID: 18502641). This variant has not been reported in a large population database (gnomAD), indicating this variant is rare. Of note, another variant impacting the same amino acid (p.Meth430Thr) was documented in an individual from a POLG-deficiency cohort (Supplementary Table 2 in Tang et al. 2011. PubMed ID: 21880868). Although we suspect that the c.1288A>T (p.Met430Leu) variant may be pathogenic, at this time, the clinical significance of this variant is uncertain due to the absence of conclusive functional and genetic evidence.

NM_002693.3(POLG):c.1288A>T (p.Met430Leu)

Gene: POLG (DNA polymerase gamma, catalytic subunit; minus strand). Cytogenetic location: 15q26.1.
Variant type: single nucleotide variant.
Coding change: c.1288A>T on transcript NM_002693.3 (MANE Select); coding-DNA position 1288, A replaced by T.
Protein change: p.Met430Leu; replaces methionine 430 with leucine.
Molecular consequence: missense variant.
Genome position (GRCh38, 1-based): chr15:89,327,312, T>A on the plus strand (A>T on the coding strand, the complement: POLG is on the minus strand). VCF-style: chr15-89327312-T-A. GRCh37 (hg19) VCF-style: chr15-89870543-T-A.
Other names: c.1288A>T, p.Met430Leu (NM_001126131.2); short protein forms M430L.
Identifiers: ClinVar variation 5001461 (VCV005001461.1).